The following is an entry in ClinVar:

ClinVar aggregate classification (germline): Uncertain significance (1 of 4 stars; one submission).

Conditions:
LOXHD1-related disorder. Also called: LOXHD1-related condition.

gnomAD v4.1: 1 of 1,538,716 alleles (0.000065%); highest among the groups gnomAD compares: Admixed American, 0.002%; no homozygotes.

Submission:

PreventionGenetics, part of Exact Sciences
Classification: Uncertain significance for LOXHD1-related condition. Last evaluated: 2025-09-12. Review status: criteria provided, single submitter. Criteria: ACMG Guidelines, 2015. Collection method: clinical testing. Allele origin: germline.
Comment: The LOXHD1 c.3515-3C>G variant is predicted to interfere with splicing. This variant is predicted to impact splicing based on available splicing prediction programs (SpliceAI, Jaganathan et al. 2019. PubMed ID: 30661751). To our knowledge, this variant has not been reported in the literature or in a large population database (gnomAD), indicating this variant is rare. At this time, the clinical significance of this variant is uncertain due to the absence of conclusive functional and genetic evidence.

NM_001384474.1(LOXHD1):c.3515-3C>G

Gene: LOXHD1 (lipoxygenase homology PLAT domains 1; minus strand). Cytogenetic location: 18q21.1.
Variant type: single nucleotide variant.
Coding change: c.3515-3C>G on transcript NM_001384474.1 (MANE Select); 3 bases into the intron before coding-DNA position 3515, C replaced by G.
Molecular consequence: intron variant.
Genome position (GRCh38, 1-based): chr18:46,545,424, G>C on the plus strand (C>G on the coding strand, the complement: LOXHD1 is on the minus strand). VCF-style: chr18-46545424-G-C. GRCh37 (hg19) VCF-style: chr18-44125387-G-C.
Other names: c.182-3C>G (NM_001145472.3); c.-107-3C>G (NM_001308013.2); c.3515-3C>G (NM_144612.7).
Identifiers: ClinVar variation 4989668 (VCV004989668.1).